The following is an entry in ClinVar:

NM_001384140.1(PCDH15):c.3306C>G (p.Ser1102Arg)

Gene: PCDH15 (protocadherin related 15; minus strand). Cytogenetic location: 10q21.1.
Variant type: single nucleotide variant.
Coding change: c.3306C>G on transcript NM_001384140.1 (MANE Select); coding-DNA position 3306, C replaced by G.
Protein change: p.Ser1102Arg; replaces serine 1102 with arginine.
Molecular consequence: missense variant.
Genome position (GRCh38, 1-based): chr10:53,938,882, G>C on the plus strand (C>G on the coding strand, the complement: PCDH15 is on the minus strand). VCF-style: chr10-53938882-G-C. GRCh37 (hg19) VCF-style: chr10-55698642-G-C.
Other names: c.3321C>G, p.Ser1107Arg (NM_001142763.2, NM_001142771.2); c.3306C>G, p.Ser1102Arg (NM_001142764.2, NM_001142766.2, NM_001142770.3 and 4 more transcripts); c.3093C>G, p.Ser1031Arg (NM_001142765.2); c.3195C>G, p.Ser1065Arg (NM_001142767.2); c.3240C>G, p.Ser1080Arg (NM_001142768.2, NM_001142773.2, NM_001354404.2); c.3342C>G, p.Ser1114Arg (NM_001142769.4); c.3327C>G, p.Ser1109Arg (NM_001354411.2); short protein forms S1107R, S1031R, S1080R, S1065R, S1109R, S1102R, S1114R.
Identifiers: ClinVar variation 1969450 (VCV001969450.2), dbSNP rs1291774713, ClinGen allele CA376516167.

ClinVar aggregate classification (germline): Uncertain significance (1 of 4 stars; one submission).

Allele frequency attached by ClinVar (database versions not stated): gnomAD exomes below 0.00001; gnomAD 0.00001.
gnomAD v4.1: 4 of 1,613,402 alleles (0.00025%); highest among the groups gnomAD compares: Non-Finnish European, 0.00034%; no homozygotes.

Submission:

Labcorp Genetics (formerly Invitae), Labcorp
Classification: Uncertain significance. Last evaluated: 2021-09-10. Review status: criteria provided, single submitter. Criteria: Invitae Variant Classification Sherloc (09022015). Collection method: clinical testing. Allele origin: germline.
Comment: This sequence change replaces serine with arginine at codon 1102 of the PCDH15 protein (p.Ser1102Arg). The serine residue is highly conserved and there is a moderate physicochemical difference between serine and arginine. This variant is not present in population databases (ExAC no frequency). This variant has not been reported in the literature in individuals affected with PCDH15-related conditions. Algorithms developed to predict the effect of missense changes on protein structure and function are either unavailable or do not agree on the potential impact of this missense change (SIFT: "Deleterious"; PolyPhen-2: "Benign"; Align-GVGD: "Class C0"). Algorithms developed to predict the effect of sequence changes on RNA splicing suggest that this variant may create or strengthen a splice site. In summary, the available evidence is currently insufficient to determine the role of this variant in disease. Therefore, it has been classified as a Variant of Uncertain Significance.